The following is an entry in ClinVar:

NM_000784.4(CYP27A1):c.38T>C (p.Leu13Pro)

Gene: CYP27A1 (cytochrome P450 family 27 subfamily A member 1; plus strand). Cytogenetic location: 2q35.
Variant type: single nucleotide variant.
Coding change: c.38T>C on transcript NM_000784.4 (MANE Select); coding-DNA position 38, T replaced by C.
Protein change: p.Leu13Pro; replaces leucine 13 with proline.
Molecular consequence: missense variant.
Genome position (GRCh38, 1-based): chr2:218,782,220, T>C. VCF-style: chr2-218782220-T-C. GRCh37 (hg19) VCF-style: chr2-219646943-T-C.
Other names: short protein forms L13P.
Identifiers: ClinVar variation 1395084 (VCV001395084.5), dbSNP rs1243753558, ClinGen allele CA350575469.
Genomic context (GRCh38, chr2:218,782,220, plus strand): 5'-GTGCAGGCGCGCGAGCACAACCCATGGCTGCGCTGGGCTGCGCGAGGCTGAGGTGGGCGC[T>C]GCGAGGGGCCGGCCGTGGCCTCTGCCCCCACGGGGCCAGAGCCAAGGCCGCGATCCCTGC-3'
Protein context (NP_000775.1, residues 3-23): ALGCARLRWA[Leu13Pro]RGAGRGLCPH

ClinVar aggregate classification (germline): Uncertain significance (1 of 4 stars; one submission).

Conditions:
Cholestanol storage disease (CTX). Also called: Cerebrotendinous Xanthomatosis; CTX: Cerebrotendinous xanthomatosis; CEREBRAL CHOLESTERINOSIS. Identifiers: Orphanet 909, MedGen C0238052, MONDO:0008948, OMIM 213700.

Allele frequency attached by ClinVar (database versions not stated): gnomAD 0.00001.

Submission:

Labcorp Genetics (formerly Invitae), Labcorp
Classification: Uncertain significance for Cholestanol storage disease. Last evaluated: 2025-10-03. Review status: criteria provided, single submitter. Criteria: Invitae Variant Classification Sherloc (09022015). Collection method: clinical testing. Allele origin: germline.
Comment: This sequence change replaces leucine, which is neutral and non-polar, with proline, which is neutral and non-polar, at codon 13 of the CYP27A1 protein (p.Leu13Pro). This variant is present in population databases (no rsID available, gnomAD 0.01%). This variant has not been reported in the literature in individuals affected with CYP27A1-related conditions. ClinVar contains an entry for this variant (Variation ID: 1395084). Invitae Evidence Modeling of protein sequence and biophysical properties (such as structural, functional, and spatial information, amino acid conservation, physicochemical variation, residue mobility, and thermodynamic stability) indicates that this missense variant is expected to disrupt CYP27A1 protein function with a positive predictive value of 95%. In summary, the available evidence is currently insufficient to determine the role of this variant in disease. Therefore, it has been classified as a Variant of Uncertain Significance.